The following is an entry in ClinVar:

ClinVar aggregate classification (germline): Uncertain significance. Review status: criteria provided, multiple submitters, no conflicts (2 of 4 stars). 2 submissions from 2 submitters: Uncertain significance (2). Last evaluated 2021-12-10.

Conditions:
Bardet-Biedl syndrome (BBS). Identifiers: Orphanet 110, MedGen C0752166, MONDO:0015229.
Inborn genetic diseases. Identifiers: MedGen C0950123, MeSH D030342.

Allele frequency attached by ClinVar (database versions not stated): gnomAD exomes below 0.00001; TOPMed 0.00001.
gnomAD v4.1: 2 of 1,611,026 alleles (0.00012%); highest among the groups gnomAD compares: Non-Finnish European, 0.00017%; no homozygotes.

Submissions (2):

Labcorp Genetics (formerly Invitae), Labcorp
Classification: Uncertain significance for Bardet-Biedl syndrome. Last evaluated: 2021-12-10. Review status: criteria provided, single submitter. Criteria: Invitae Variant Classification Sherloc (09022015). Collection method: clinical testing. Allele origin: germline.
Comment: This sequence change replaces valine, which is neutral and non-polar, with leucine, which is neutral and non-polar, at codon 485 of the BBS9 protein (p.Val485Leu). This variant is not present in population databases (gnomAD no frequency). This variant has not been reported in the literature in individuals affected with BBS9-related conditions. Algorithms developed to predict the effect of missense changes on protein structure and function are either unavailable or do not agree on the potential impact of this missense change (SIFT: "Deleterious"; PolyPhen-2: "Benign"; Align-GVGD: "Class C25"). In summary, the available evidence is currently insufficient to determine the role of this variant in disease. Therefore, it has been classified as a Variant of Uncertain Significance.

Ambry Genetics
Classification: Uncertain significance for Inborn genetic diseases. Last evaluated: 2021-11-23. Review status: criteria provided, single submitter. Criteria: Ambry Variant Classification Scheme 2023. Collection method: clinical testing. Allele origin: germline.

NM_198428.3(BBS9):c.1453G>C (p.Val485Leu)

Gene: BBS9 (Bardet-Biedl syndrome 9; plus strand). Cytogenetic location: 7p14.3.
Variant type: single nucleotide variant.
Coding change: c.1453G>C on transcript NM_198428.3 (MANE Select); coding-DNA position 1453, G replaced by C.
Protein change: p.Val485Leu; replaces valine 485 with leucine.
Molecular consequence: missense variant. On other transcripts: non-coding transcript variant (3), intron variant (5).
Genome position (GRCh38, 1-based): chr7:33,351,239, G>C. VCF-style: chr7-33351239-G-C. GRCh37 (hg19) VCF-style: chr7-33390851-G-C.
Other names: c.1160-1620G>C (NM_001348039.3); c.1433-1620G>C (NM_001033604.2); c.1432+2069G>C (NM_014451.4, NM_001348040.3); c.1067-1620G>C (NM_001348044.3); c.1453G>C, p.Val485Leu (NM_001033605.2, NM_001348036.1, NM_001348041.4 and 4 more transcripts); c.1087G>C, p.Val363Leu (NM_001348037.3, NM_001348045.3, NM_001348046.3); c.1180G>C, p.Val394Leu (NM_001348038.3); c.1318G>C, p.Val440Leu (NM_001348042.3); short protein forms V485L, V363L, V394L, V440L.
Identifiers: ClinVar variation 1980686 (VCV001980686.2), dbSNP rs1245905683, ClinGen allele CA367255936.